The following is an entry in ClinVar:

ClinVar aggregate classification (germline): Uncertain significance. Review status: criteria provided, single submitter (1 of 4 stars). 2 submissions from 2 submitters: Uncertain significance (1). 1 of the submissions does not count toward it. Last evaluated 2021-05-25.

Conditions:
EVC2-related disorder. Also called: EVC2-related condition.

Submissions (2):

GeneDx
Classification: Uncertain significance. Last evaluated: 2021-05-25. Review status: criteria provided, single submitter. Criteria: GeneDx Variant Classification Process June 2021. Collection method: clinical testing. Allele origin: germline. Affected: yes.
Comment: Has not been previously published as pathogenic or benign to our knowledge; Not observed at significant frequency in large population cohorts (Lek et al., 2016); In silico analysis supports that this variant does not alter protein structure/function

PreventionGenetics, part of Exact Sciences
Classification: Uncertain significance for EVC2-related condition. Last evaluated: 2023-12-31. Review status: no assertion criteria provided. Collection method: clinical testing. Allele origin: germline. Not counted in ClinVar's aggregate classification.
Comment: The EVC2 c.3505_3507delinsTAT variant is predicted to result in an in-frame deletion and insertion. To our knowledge, this variant has not been reported in the literature or in a large population database, indicating this variant is rare. At this time, the clinical significance of this variant is uncertain due to the absence of conclusive functional and genetic evidence.

NM_147127.5(EVC2):c.3505_3507delinsTAT (p.His1169Tyr)

Gene: EVC2 (EvC ciliary complex subunit 2; minus strand). Cytogenetic location: 4p16.2.
Variant type: Indel.
Coding change: c.3505_3507delinsTAT on transcript NM_147127.5 (MANE Select); coding-DNA positions 3505 to 3507, CAC replaced by TAT.
Protein change: p.His1169Tyr; replaces histidine 1169 with tyrosine.
Molecular consequence: missense variant.
Genome position (GRCh38, 1-based): chr4:5,568,494-5,568,496, GTG replaced by ATA on the plus strand (CAC replaced by TAT on the coding strand, the reverse complement: EVC2 is on the minus strand). VCF-style: chr4-5568494-GTG-ATA. GRCh37 (hg19) VCF-style: chr4-5570221-GTG-ATA.
Other names: c.3265_3267delinsTAT, p.His1089Tyr (NM_001166136.2); c.3505_3507delCACinsTAT (NM_147127.4); c.3505_3507delinsTAT (NM_147127.4); short protein forms H1089Y, H1169Y.
Identifiers: ClinVar variation 1185861 (VCV001185861.4), dbSNP rs2108770735, ClinGen allele CA2499217287.